The following is an entry in ClinVar:

ClinVar aggregate classification (germline): Uncertain significance. Review status: criteria provided, multiple submitters, no conflicts (2 of 4 stars). 4 submissions from 4 submitters: Uncertain significance (4). Last evaluated 2026-04-13.

Conditions:
PLCG2-related disorder. Also called: PLCG2-related condition.
Autoinflammation-PLCG2-associated antibody deficiency-immune dysregulation. Also called: AUTOINFLAMMATION, ANTIBODY DEFICIENCY, AND IMMUNE DYSREGULATION; Autoinflammation, antibody deficiency, and immune dysregulation, plcg2-associated; Autoinflammation, antibody deficiency, and immune dysregulation syndrome. Identifiers: Orphanet 324530, MedGen C3553961, MONDO:0013944, OMIM 614878.
Familial cold autoinflammatory syndrome 3 (FCAS3). Also called: FAMILIAL ATYPICAL COLD URTICARIA; ANTIBODY DEFICIENCY AND IMMUNE DYSREGULATION, PLCG2-ASSOCIATED. Identifiers: Orphanet 300359, MedGen C3280914, MONDO:0013766, OMIM 614468.

Allele frequency attached by ClinVar (database versions not stated): ExAC 0.00002; gnomAD exomes 0.00002; gnomAD 0.00005; TOPMed 0.00006.
gnomAD v4.1: 28 of 1,613,070 alleles (0.0017%); highest among the groups gnomAD compares: Middle Eastern, 0.016%; no homozygotes.

Submissions (4):

PreventionGenetics, part of Exact Sciences
Classification: Uncertain significance for PLCG2-related condition. Last evaluated: 2026-04-13. Review status: criteria provided, single submitter. Criteria: ACMG Guidelines, 2015. Collection method: clinical testing. Allele origin: germline.
Comment: The PLCG2 c.407C>T variant is predicted to result in the amino acid substitution p.Ala136Val. To our knowledge, this variant has not been reported in the literature. This variant is reported in 0.0085% of alleles in individuals of Latino descent in gnomAD. At this time, the clinical significance of this variant is uncertain due to the absence of conclusive functional and genetic evidence.

Labcorp Genetics (formerly Invitae), Labcorp
Classification: Uncertain significance for Familial cold autoinflammatory syndrome 3. Last evaluated: 2025-11-01. Review status: criteria provided, single submitter. Criteria: Invitae Variant Classification Sherloc (09022015). Collection method: clinical testing. Allele origin: germline.
Comment: This sequence change replaces alanine, which is neutral and non-polar, with valine, which is neutral and non-polar, at codon 136 of the PLCG2 protein (p.Ala136Val). This variant is present in population databases (rs777990663, gnomAD 0.009%). This variant has not been reported in the literature in individuals affected with PLCG2-related conditions. ClinVar contains an entry for this variant (Variation ID: 946305). An algorithm developed to predict the effect of missense changes on protein structure and function (PolyPhen-2) suggests that this variant is likely to be disruptive. In summary, the available evidence is currently insufficient to determine the role of this variant in disease. Therefore, it has been classified as a Variant of Uncertain Significance.

Fulgent Genetics
Classification: Uncertain significance for Familial cold autoinflammatory syndrome 3; Autoinflammation-PLCG2-associated antibody deficiency-immune dysregulation. Last evaluated: 2024-06-13. Review status: criteria provided, single submitter. Criteria: ACMG Guidelines, 2015. Collection method: clinical testing. Allele origin: germline.

Blueprint Genetics
Classification: Uncertain significance. Last evaluated: 2022-10-24. Review status: criteria provided, single submitter. Criteria: ACMG Guidelines, 2015. Collection method: clinical testing. Allele origin: germline.

NM_002661.5(PLCG2):c.407C>T (p.Ala136Val)

Gene: PLCG2 (phospholipase C gamma 2; plus strand). Cytogenetic location: 16q23.3.
Variant type: single nucleotide variant.
Coding change: c.407C>T on transcript NM_002661.5 (MANE Select); coding-DNA position 407, C replaced by T.
Protein change: p.Ala136Val; replaces alanine 136 with valine.
Molecular consequence: missense variant.
Genome position (GRCh38, 1-based): chr16:81,858,332, C>T. VCF-style: chr16-81858332-C-T. GRCh37 (hg19) VCF-style: chr16-81891937-C-T.
Other names: short protein forms A136V.
Identifiers: ClinVar variation 946305 (VCV000946305.12), dbSNP rs777990663, ClinGen allele CA8193170.
Genomic context (GRCh38, chr16:81,858,332, plus strand): 5'-AAGAGGATGCAGTTAACTGGCTCTCTGGCTTGAAAATCTTACACCAGGAAGCGATGAATG[C>T]GTCCACGCCCACCATTATCGAGAGGTAGTTGGCTTTTGCCTGTTGATTTGCGTAGTTGCT-3'
Protein context (NP_002652.2, residues 126-146): LKILHQEAMN[Ala136Val]STPTIIESWL